The following is an entry in ClinVar:

NM_015213.4(DENND5A):c.2189T>C (p.Ile730Thr)

Gene: DENND5A (DENN domain containing 5A; minus strand). Cytogenetic location: 11p15.4.
Variant type: single nucleotide variant.
Coding change: c.2189T>C on transcript NM_015213.4 (MANE Select); coding-DNA position 2189, T replaced by C.
Protein change: p.Ile730Thr; replaces isoleucine 730 with threonine.
Molecular consequence: missense variant. On other transcripts: non-coding transcript variant (1).
Genome position (GRCh38, 1-based): chr11:9,165,930, A>G on the plus strand (T>C on the coding strand, the complement: DENND5A is on the minus strand). VCF-style: chr11-9165930-A-G. GRCh37 (hg19) VCF-style: chr11-9187477-A-G.
Other names: c.2189T>C, p.Ile730Thr (NM_001243254.2); c.2117T>C, p.Ile706Thr (NM_001348749.2); c.1901T>C, p.Ile634Thr (NM_001348750.2); short protein forms I730T, I634T, I706T.
Identifiers: ClinVar variation 1031883 (VCV001031883.1), dbSNP rs1848175647, ClinGen allele CA379610494.

ClinVar aggregate classification (germline): Uncertain significance (1 of 4 stars; one submission).

Conditions:
Developmental and epileptic encephalopathy, 49 (DEE49). Also called: Epileptic encephalopathy, early infantile, 49. Identifiers: MedGen C4310635, MONDO:0015002, OMIM 617281.

Submission:

Baylor Genetics
Classification: Uncertain significance for Developmental and epileptic encephalopathy, 49. Last evaluated: 2018-05-08. Review status: criteria provided, single submitter. Criteria: ACMG Guidelines, 2015. Collection method: clinical testing. Allele origin: unknown. Affected: yes.
Comment: This variant was determined to be of uncertain significance according to ACMG Guidelines, 2015 [PMID:25741868].